The following is an entry in ClinVar:

ClinVar aggregate classification (germline): Uncertain significance (1 of 4 stars; one submission).

Conditions:
Congenital myasthenic syndrome 8. Also called: MYASTHENIC SYNDROME, CONGENITAL, DUE TO AGRIN DEFICIENCY; Myasthenic syndrome, congenital, 8, with pre- and postsynaptic defects. Identifiers: Orphanet 590, MedGen C3808739, MONDO:0014052, OMIM 615120.

Allele frequency attached by ClinVar (database versions not stated): gnomAD exomes 0.00002; TOPMed 0.00002; ExAC 0.00003; gnomAD 0.00003 and 0.00004.
gnomAD v4.1: 26 of 1,611,406 alleles (0.0016%); highest among the groups gnomAD compares: East Asian, 0.0089%; no homozygotes.

Submission:

Labcorp Genetics (formerly Invitae), Labcorp
Classification: Uncertain significance for Congenital myasthenic syndrome 8. Last evaluated: 2022-06-20. Review status: criteria provided, single submitter. Criteria: Invitae Variant Classification Sherloc (09022015). Collection method: clinical testing. Allele origin: germline.
Comment: This sequence change replaces arginine, which is basic and polar, with glutamine, which is neutral and polar, at codon 782 of the AGRN protein (p.Arg782Gln). This variant is present in population databases (rs776934498, gnomAD 0.03%). In summary, the available evidence is currently insufficient to determine the role of this variant in disease. Therefore, it has been classified as a Variant of Uncertain Significance. Algorithms developed to predict the effect of missense changes on protein structure and function output the following: SIFT: "Tolerated"; PolyPhen-2: "Benign"; Align-GVGD: "Class C0". The glutamine amino acid residue is found in multiple mammalian species, which suggests that this missense change does not adversely affect protein function. ClinVar contains an entry for this variant (Variation ID: 864635). This variant has not been reported in the literature in individuals affected with AGRN-related conditions.

NM_198576.4(AGRN):c.2345G>A (p.Arg782Gln)

Gene: AGRN (agrin; plus strand). Cytogenetic location: 1p36.33.
Variant type: single nucleotide variant.
Coding change: c.2345G>A on transcript NM_198576.4 (MANE Select); coding-DNA position 2345, G replaced by A.
Protein change: p.Arg782Gln; replaces arginine 782 with glutamine.
Molecular consequence: missense variant.
Genome position (GRCh38, 1-based): chr1:1,045,251, G>A. VCF-style: chr1-1045251-G-A. GRCh37 (hg19) VCF-style: chr1-980631-G-A.
Other names: c.2345G>A, p.Arg782Gln (NM_001305275.2); c.2030G>A, p.Arg677Gln (NM_001364727.2); short protein forms R677Q, R782Q.
Identifiers: ClinVar variation 864635 (VCV000864635.9), dbSNP rs776934498, ClinGen allele CA508581.